The following is an entry in ClinVar:

NM_006904.7(PRKDC):c.2639T>G (p.Met880Arg)

Gene: PRKDC (protein kinase, DNA-activated, catalytic subunit; minus strand). Cytogenetic location: 8q11.21.
Variant type: single nucleotide variant.
Coding change: c.2639T>G on transcript NM_006904.7 (MANE Select); coding-DNA position 2639, T replaced by G.
Protein change: p.Met880Arg; replaces methionine 880 with arginine.
Molecular consequence: missense variant.
Genome position (GRCh38, 1-based): chr8:47,914,043, A>C on the plus strand (T>G on the coding strand, the complement: PRKDC is on the minus strand). VCF-style: chr8-47914043-A-C. GRCh37 (hg19) VCF-style: chr8-48826603-A-C.
Other names: c.2639T>G, p.Met880Arg (NM_001081640.2); short protein forms M880R.
Identifiers: ClinVar variation 1794161 (VCV001794161.2), dbSNP rs1238399002, ClinGen allele CA371159567.

ClinVar aggregate classification (germline): Uncertain significance (1 of 4 stars; one submission).

Submission:

Ambry Genetics
Classification: Uncertain significance. Last evaluated: 2022-02-13. Review status: criteria provided, single submitter. Criteria: Ambry Variant Classification Scheme 2023. Collection method: clinical testing. Allele origin: germline.
Comment: The p.M880R variant (also known as c.2639T>G), located in coding exon 24 of the PRKDC gene, results from a T to G substitution at nucleotide position 2639. The methionine at codon 880 is replaced by arginine, an amino acid with similar properties. This amino acid position is conserved. In addition, this alteration is predicted to be tolerated by in silico analysis. Since supporting evidence is limited at this time, the clinical significance of this alteration remains unclear.